The following continues an entry in ClinVar:

NM_000256.3(MYBPC3):c.184A>C (p.Thr62Pro)

Gene: MYBPC3. ClinVar aggregate classification (germline): Conflicting classifications of pathogenicity. Uncertain significance (11); Likely benign (5).

Submissions 13 to 19 of 19:

Laboratory for Molecular Medicine, Mass General Brigham Personalized Medicine
Classification: Uncertain significance. Last evaluated: 2017-08-25. Review status: criteria provided, single submitter. Criteria: LMM Criteria. Collection method: clinical testing. Allele origin: germline. Observed: 3 variant alleles.
Comment: Variant classified as Uncertain Significance - Favor Benign. This variant has been identified in 34/116340 European chromosomes by the Genome Aggregation Database (gnomAD; dbSN P rs377225516). It was predicted to be benign using a computational tool clinica lly validated by our laboratory. This tool's benign prediction is estimated to b e correct 89% of the time (Jordan 2011). In summary, while the clinical signific ance of the p.Thr62Pro variant is uncertain, these data suggest that it is more likely to be benign.

Eurofins Ntd Llc (ga)
Classification: Uncertain significance. Last evaluated: 2016-06-27. Review status: criteria provided, single submitter. Criteria: EGL Classification Definitions 2015. Collection method: clinical testing. Allele origin: germline. Observed: 1 variant allele, 1 heterozygote.

Stanford Center for Inherited Cardiovascular Disease, Stanford University
Classification: Uncertain significance. Last evaluated: 2014-12-05. Review status: criteria provided, single submitter. Criteria: ACMG Guidelines, 2015. Collection method: provider interpretation. Allele origin: germline.

CSER _CC_NCGL, University of Washington
Classification: Uncertain significance for Cardiomyopathy, hypertrophic. Last evaluated: 2014-06-01. Review status: criteria provided, single submitter. Criteria: Amendola et al. (Genome Res. 2015). Collection method: research. Allele origin: germline. Inheritance: Autosomal dominant inheritance. Study: ESP 6500 variant annotation.
Comment: Low GERP score may suggest that this variant may belong in a lower pathogenicity class

Variants classified for the Actionable exomic incidental findings in 6503 participants: challenges of variant classification manuscript

Diagnostic Laboratory, Department of Genetics, University Medical Center Groningen
Classification: Likely benign. Review status: no assertion criteria provided. Collection method: clinical testing. Allele origin: germline. Affected: yes. Study: VKGL Data-share Consensus. Not counted in ClinVar's aggregate classification.

Genome Diagnostics Laboratory, University Medical Center Utrecht
Classification: Likely benign. Review status: no assertion criteria provided. Collection method: clinical testing. Allele origin: germline. Affected: yes. Study: VKGL Data-share Consensus. Not counted in ClinVar's aggregate classification.

Joint Genome Diagnostic Labs from Nijmegen and Maastricht, Radboudumc and MUMC+
Classification: Likely benign. Review status: no assertion criteria provided. Collection method: clinical testing. Allele origin: germline. Affected: yes. Study: VKGL Data-share Consensus. Not counted in ClinVar's aggregate classification.

Literature cited by the submitters: PubMed 20624503 (cited by 6 submitters); PubMed 32841044 (cited by Labcorp Genetics (formerly Invitae), Labcorp and All of Us Research Program, National Institutes of Health); PubMed 37652022 (cited by Labcorp Genetics (formerly Invitae), Labcorp and Women's Health and Genetics/Laboratory Corporation of America, LabCorp); PubMed 37937776 (cited by Labcorp Genetics (formerly Invitae), Labcorp and Women's Health and Genetics/Laboratory Corporation of America, LabCorp); PubMed 23299917 (cited by 3 submitters); PubMed 24055113 (cited by 3 submitters); PubMed 25611685 (cited by Ambry Genetics); PubMed 25637381 (cited by 3 submitters); PubMed 20800588 (cited by Women's Health and Genetics/Laboratory Corporation of America, LabCorp); PubMed 22958901 (cited by Women's Health and Genetics/Laboratory Corporation of America, LabCorp); PubMed 38489124 (cited by Women's Health and Genetics/Laboratory Corporation of America, LabCorp); PubMed 21310275 (cited by Laboratory for Molecular Medicine, Mass General Brigham Personalized Medicine).